The following is an entry in ClinVar:

NM_152416.4(NDUFAF6):c.505C>T (p.Arg169Cys)

Gene: NDUFAF6 (NADH:ubiquinone oxidoreductase complex assembly factor 6; plus strand). Cytogenetic location: 8q22.1.
Variant type: single nucleotide variant.
Coding change: c.505C>T on transcript NM_152416.4 (MANE Select); coding-DNA position 505, C replaced by T.
Protein change: p.Arg169Cys; replaces arginine 169 with cysteine.
Molecular consequence: missense variant. On other transcripts: non-coding transcript variant (6).
Genome position (GRCh38, 1-based): chr8:95,045,572, C>T. VCF-style: chr8-95045572-C-T. GRCh37 (hg19) VCF-style: chr8-96057800-C-T.
Other names: c.229C>T, p.Arg77Cys (NM_001330582.2, NM_001354514.2, NM_001354515.2 and 1 more transcripts); c.349C>T, p.Arg117Cys (NM_001354516.2); c.172C>T, p.Arg58Cys (NM_001354517.2, NM_001354518.2, NM_001354519.2 and 1 more transcripts); c.49C>T, p.Arg17Cys (NM_001354522.2, NM_001354524.2, NM_001354525.2 and 7 more transcripts); short protein forms R169C, R17C, R117C, R58C, R77C.
Identifiers: ClinVar variation 1493379 (VCV001493379.4), dbSNP rs762805477, ClinGen allele CA4814823.
Genomic context (GRCh38, chr8:95,045,572, plus strand): 5'-CAACAGACTTTATTTGCATTTTATTTGATGTAGGAAAAAAATCTGGATGACAAAGCATAT[C>T]GTAATATCAAGGAACTGGAAAATTATGCTGAAAACACACAGAGCTCTCTTCTTTACTTAA-3'
Protein context (NP_689629.2, residues 159-179): REKNLDDKAY[Arg169Cys]NIKELENYAE

ClinVar aggregate classification (germline): Uncertain significance. Review status: criteria provided, multiple submitters, no conflicts (2 of 4 stars). 2 submissions from 2 submitters: Uncertain significance (2). Last evaluated 2024-08-19.

Allele frequency attached by ClinVar (database versions not stated): gnomAD 0.00001 and 0.00002; gnomAD exomes 0.00002 and 0.00009; TOPMed 0.00006; ExAC 0.00008.
gnomAD v4.1: 34 of 1,613,076 alleles (0.0021%); highest among the groups gnomAD compares: Admixed American, 0.035%; no homozygotes.

Submissions (2):

Blueprint Genetics
Classification: Uncertain significance. Last evaluated: 2024-08-19. Review status: criteria provided, single submitter. Criteria: ACMG Guidelines, 2015. Collection method: clinical testing. Allele origin: germline.

Labcorp Genetics (formerly Invitae), Labcorp
Classification: Uncertain significance. Last evaluated: 2022-07-28. Review status: criteria provided, single submitter. Criteria: Invitae Variant Classification Sherloc (09022015). Collection method: clinical testing. Allele origin: germline.
Comment: This sequence change replaces arginine, which is basic and polar, with cysteine, which is neutral and slightly polar, at codon 169 of the NDUFAF6 protein (p.Arg169Cys). This variant is present in population databases (rs762805477, gnomAD 0.06%). This variant has not been reported in the literature in individuals affected with NDUFAF6-related conditions. ClinVar contains an entry for this variant (Variation ID: 1493379). Algorithms developed to predict the effect of missense changes on protein structure and function are either unavailable or do not agree on the potential impact of this missense change (SIFT: "Deleterious"; PolyPhen-2: "Benign"; Align-GVGD: "Class C15"). In summary, the available evidence is currently insufficient to determine the role of this variant in disease. Therefore, it has been classified as a Variant of Uncertain Significance.